The following is an entry in ClinVar:

NM_001197104.2(KMT2A):c.9442T>G (p.Leu3148Val)

Gene: KMT2A (lysine methyltransferase 2A; plus strand). Cytogenetic location: 11q23.3.
Variant type: single nucleotide variant.
Coding change: c.9442T>G on transcript NM_001197104.2 (MANE Select); coding-DNA position 9442, T replaced by G.
Protein change: p.Leu3148Val; replaces leucine 3148 with valine.
Molecular consequence: missense variant.
Genome position (GRCh38, 1-based): chr11:118,505,334, T>G. VCF-style: chr11-118505334-T-G. GRCh37 (hg19) VCF-style: chr11-118376049-T-G.
Other names: c.9532T>G, p.Leu3178Val (NM_001412597.1); c.9433T>G, p.Leu3145Val (NM_005933.4); short protein forms L3145V, L3148V, L3178V.
Identifiers: ClinVar variation 3364645 (VCV003364645.1).

ClinVar aggregate classification (germline): Uncertain significance (1 of 4 stars; one submission).

Submission:

GeneDx
Classification: Uncertain significance. Last evaluated: 2023-11-17. Review status: criteria provided, single submitter. Criteria: GeneDx Variant Classification Process June 2021. Collection method: clinical testing. Allele origin: germline. Affected: yes.
Comment: Not observed at significant frequency in large population cohorts (gnomAD); In silico analysis supports that this missense variant does not alter protein structure/function; Has not been previously published as pathogenic or benign to our knowledge